The following is an entry in ClinVar:

NM_001008537.3(NEXMIF):c.3823A>G (p.Ser1275Gly)

Gene: NEXMIF (neurite extension and migration factor; minus strand). Cytogenetic location: Xq13.3.
Variant type: single nucleotide variant.
Coding change: c.3823A>G on transcript NM_001008537.3 (MANE Select); coding-DNA position 3823, A replaced by G.
Protein change: p.Ser1275Gly; replaces serine 1275 with glycine.
Molecular consequence: missense variant.
Genome position (GRCh38, 1-based): chrX:74,740,734, T>C on the plus strand (A>G on the coding strand, the complement: NEXMIF is on the minus strand). VCF-style: chrX-74740734-T-C. GRCh37 (hg19) VCF-style: chrX-73960569-T-C.
Other names: short protein forms S1275G.
Identifiers: ClinVar variation 474073 (VCV000474073.60), dbSNP rs201434271, ClinGen allele CA10454903.
Genomic context (GRCh38, chrX:74,740,734, plus strand): 5'-CACTCCAGCCTGGGCTGCTCTCCTTCCCCAAGGCCCAATCTCCAGAAAGTCCCTTTTGAC[T>C]TGGCATCTTCATAGAGGCCATAGGGCCACCATGTTGGATACATTCAGCCAATGTCTTCCC-3'
Protein context (NP_001008537.1, residues 1265-1285): GGPMASMKMP[Ser1275Gly]QKGLSGDWAL

ClinVar aggregate classification (germline): Conflicting classifications of pathogenicity. Review status: criteria provided, conflicting classifications (1 of 4 stars). 9 submissions from 9 submitters: Uncertain significance (1); Benign (2); Likely benign (3). 3 of the submissions do not count toward it. Last evaluated 2025-09-24.

Conditions:
X-linked intellectual disability, Cantagrel type (XLID98). Also called: INTELLECTUAL DEVELOPMENTAL DISORDER, X-LINKED 98. Identifiers: Orphanet 85277, MedGen C3806730, MONDO:0010483, OMIM 300912.
NEXMIF-related disorder. Also called: NEXMIF-related condition.

Allele frequency attached by ClinVar (database versions not stated): gnomAD 0.00012 and 0.00015; TOPMed 0.00014; gnomAD exomes 0.00018 and 0.00025; ExAC 0.00029; ESP Exome Variant Server 0.00038; 1000 Genomes Project 0.00053; 1000 Genomes Project 30x 0.00062.
gnomAD v4.1: 212 of 1,211,031 alleles (0.018%); highest among the groups gnomAD compares: Middle Eastern, 0.092%; 1 homozygote.

Submissions (9):

Labcorp Genetics (formerly Invitae), Labcorp
Classification: Benign. Last evaluated: 2025-09-24. Review status: criteria provided, single submitter. Criteria: Invitae Variant Classification Sherloc (09022015). Collection method: clinical testing. Allele origin: germline.

Blueprint Genetics
Classification: Likely benign. Last evaluated: 2024-09-12. Review status: criteria provided, single submitter. Criteria: ACMG Guidelines, 2015. Collection method: clinical testing. Allele origin: germline.

Ambry Genetics
Classification: Likely benign. Last evaluated: 2023-04-26. Review status: criteria provided, single submitter. Criteria: Ambry Variant Classification Scheme 2023. Collection method: clinical testing. Allele origin: germline.

CeGaT Center for Human Genetics Tuebingen
Classification: Likely benign. Last evaluated: 2021-10-01. Review status: criteria provided, single submitter. Criteria: CeGaT Center For Human Genetics Tuebingen Variant Classification Criteria Version 2. Collection method: clinical testing. Allele origin: germline. Affected: yes. Observed: 2 variant alleles.

Center for Genomics, Ann and Robert H. Lurie Children's Hospital of Chicago
Classification: Uncertain significance for X-linked intellectual disability, Cantagrel type. Last evaluated: 2021-03-30. Review status: criteria provided, single submitter. Criteria: ACMG Guidelines, 2015. Collection method: clinical testing. Allele origin: germline.
Comment: KIAA2022 NM_001008537.2 exon 3 p.Ser1275Gly (c.3823A>G): This variant has not been reported in the literature but is present in 35/90212 European alleles, including 19 hemizygotes in the Genome Aggregation Database. This variant is present in ClinVar (Variation ID: 474073). Evolutionary conservation and computational predictive tools suggest that this variant may not impact the protein. In summary, data on this variant is insufficient for disease classification. Therefore, the clinical significance of this variant is uncertain.

GeneDx
Classification: Benign. Last evaluated: 2020-12-29. Review status: criteria provided, single submitter. Criteria: GeneDx Variant Classification Process June 2021. Collection method: clinical testing. Allele origin: germline. Affected: yes.

PreventionGenetics, part of Exact Sciences
Classification: Likely benign for NEXMIF-related condition. Last evaluated: 2019-12-31. Review status: no assertion criteria provided. Collection method: clinical testing. Allele origin: germline. Not counted in ClinVar's aggregate classification.
Comment: This variant is classified as likely benign based on ACMG/AMP sequence variant interpretation guidelines (Richards et al. 2015 PMID: 25741868, with internal and published modifications).

Clinical Genetics DNA and cytogenetics Diagnostics Lab, Erasmus MC, Erasmus Medical Center
Classification: Likely benign. Review status: no assertion criteria provided. Collection method: clinical testing. Allele origin: germline. Affected: yes. Study: VKGL Data-share Consensus. Not counted in ClinVar's aggregate classification.

Genome Diagnostics Laboratory, University Medical Center Utrecht
Classification: Likely benign. Review status: no assertion criteria provided. Collection method: clinical testing. Allele origin: germline. Affected: yes. Study: VKGL Data-share Consensus. Not counted in ClinVar's aggregate classification.